The following is an entry in ClinVar:

ClinVar aggregate classification (germline): Uncertain significance. Review status: criteria provided, multiple submitters, no conflicts (2 of 4 stars). 2 submissions from 2 submitters: Uncertain significance (2). Last evaluated 2025-01-21.

Conditions:
COL18A1-related disorder. Also called: COL18A1-related disorders; COL18A1-related condition.

Allele frequency attached by ClinVar (database versions not stated): ExAC 0.00006; gnomAD 0.00007; ESP Exome Variant Server 0.00008; TOPMed 0.00008.
gnomAD v4.1: 41 of 1,595,980 alleles (0.0026%); highest among the groups gnomAD compares: African/African-American, 0.013%; no homozygotes.

Submissions (2):

PreventionGenetics, part of Exact Sciences
Classification: Uncertain significance for COL18A1-related condition. Last evaluated: 2025-01-21. Review status: criteria provided, single submitter. Criteria: ACMG Guidelines, 2015. Collection method: clinical testing. Allele origin: germline.
Comment: The COL18A1 c.4127C>T variant is predicted to result in the amino acid substitution p.Ala1376Val. To our knowledge, this variant has not been reported in the literature. This variant is reported in 0.015% of alleles in individuals of African descent in gnomAD. At this time, the clinical significance of this variant is uncertain due to the absence of conclusive functional and genetic evidence.

Labcorp Genetics (formerly Invitae), Labcorp
Classification: Uncertain significance. Last evaluated: 2022-03-17. Review status: criteria provided, single submitter. Criteria: Invitae Variant Classification Sherloc (09022015). Collection method: clinical testing. Allele origin: germline.
Comment: This sequence change replaces alanine, which is neutral and non-polar, with valine, which is neutral and non-polar, at codon 1196 of the COL18A1 protein (p.Ala1196Val). The frequency data for this variant in the population databases is considered unreliable, as metrics indicate poor data quality at this position in the gnomAD database. This variant has not been reported in the literature in individuals affected with COL18A1-related conditions. Experimental studies and prediction algorithms are not available or were not evaluated, and the functional significance of this variant is currently unknown. In summary, the available evidence is currently insufficient to determine the role of this variant in disease. Therefore, it has been classified as a Variant of Uncertain Significance.

NM_001379500.1(COL18A1):c.3596C>T (p.Ala1199Val)

Genes: COL18A1 (collagen type XVIII alpha 1 chain; plus strand), SLC19A1 (solute carrier family 19 member 1; minus strand). Cytogenetic location: 21q22.3.
Variant type: single nucleotide variant.
Coding change: c.3596C>T on transcript NM_001379500.1 (MANE Select); coding-DNA position 3596, C replaced by T.
Protein change: p.Ala1199Val; replaces alanine 1199 with valine.
Molecular consequence: missense variant.
Genome position (GRCh38, 1-based): chr21:45,510,164, C>T. VCF-style: chr21-45510164-C-T. GRCh37 (hg19) VCF-style: chr21-46930078-C-T.
Other names: c.4127C>T, p.Ala1376Val (NM_030582.4); c.4832C>T, p.Ala1611Val (NM_130444.3); c.4127C>T (NM_030582.3); short protein forms A1611V, A1376V, A1199V.
Identifiers: ClinVar variation 2170736 (VCV002170736.2), dbSNP rs375590764, ClinGen allele CA10067968.
Genomic context (GRCh38, chr21:45,510,164, plus strand): 5'-TGCGGGGCATCCGCGGGGCCGACTTCCAGTGCTTCCAGCAGGCGCGGGCCGTGGGGCTGG[C>T]GGGCACCTTCCGCGCCTTCCTGTCCTCGCGCCTGCAGGACCTGTACAGCATCGTGCGCCG-3'
Protein context (NP_001366429.1, residues 1189-1209): CFQQARAVGL[Ala1199Val]GTFRAFLSSR